The following is an entry in ClinVar:

NM_152743.4(BRAT1):c.604G>A (p.Val202Ile)

Gene: BRAT1 (BRCA1 associated ATM activator 1; minus strand). Cytogenetic location: 7p22.3.
Variant type: single nucleotide variant.
Coding change: c.604G>A on transcript NM_152743.4 (MANE Select); coding-DNA position 604, G replaced by A.
Protein change: p.Val202Ile; replaces valine 202 with isoleucine.
Molecular consequence: missense variant. On other transcripts: non-coding transcript variant (1).
Genome position (GRCh38, 1-based): chr7:2,543,789, C>T on the plus strand (G>A on the coding strand, the complement: BRAT1 is on the minus strand). VCF-style: chr7-2543789-C-T. GRCh37 (hg19) VCF-style: chr7-2583423-C-T.
Other names: c.604G>A, p.Val202Ile (NM_001350626.2); c.79G>A, p.Val27Ile (NM_001350627.2); short protein forms V202I, V27I.
Identifiers: ClinVar variation 472975 (VCV000472975.10), dbSNP rs140943156, ClinGen allele CA4128147.
Genomic context (GRCh38, chr7:2,543,789, plus strand): 5'-TCAGGACGTTCAGGGCCTGAGTGACCTTGGGGGTGGCCGCGGAGCACAAGGACTCTTCAA[C>T]GTGATCCATGATCTTCTGGGCACACGCGGGCCAGTCACCCCCCGGCAGGCAGGGCTGCCC-3'
Protein context (NP_689956.2, residues 192-212): PACAQKIMDH[Val202Ile]EESLCSAATP

ClinVar aggregate classification (germline): Conflicting classifications of pathogenicity. Review status: criteria provided, conflicting classifications (1 of 4 stars). 3 submissions from 3 submitters: Uncertain significance (2); Likely benign (1). Last evaluated 2024-05-16.

Conditions:
Inborn genetic diseases. Identifiers: MedGen C0950123, MeSH D030342.
Neonatal-onset encephalopathy with rigidity and seizures. Also called: Lethal neonatal spasticity-epileptic encephalopathy syndrome. Identifiers: Orphanet 435845, MedGen C3281029, MONDO:0013784, OMIM 614498.

Allele frequency attached by ClinVar (database versions not stated): gnomAD exomes 0.00004 and 0.00003; ExAC 0.00005; TOPMed 0.00003; gnomAD 0.00001 and 0.00002; ESP Exome Variant Server 0.00008.

Submissions (3):

Ambry Genetics
Classification: Likely benign for Inborn genetic diseases. Last evaluated: 2024-05-16. Review status: criteria provided, single submitter. Criteria: Ambry Variant Classification Scheme 2023. Collection method: clinical testing. Allele origin: germline.

Labcorp Genetics (formerly Invitae), Labcorp
Classification: Uncertain significance for Neonatal-onset encephalopathy with rigidity and seizures. Last evaluated: 2023-12-22. Review status: criteria provided, single submitter. Criteria: Invitae Variant Classification Sherloc (09022015). Collection method: clinical testing. Allele origin: germline.
Comment: This sequence change replaces valine, which is neutral and non-polar, with isoleucine, which is neutral and non-polar, at codon 202 of the BRAT1 protein (p.Val202Ile). This variant is present in population databases (rs140943156, gnomAD 0.02%). This variant has not been reported in the literature in individuals affected with BRAT1-related conditions. ClinVar contains an entry for this variant (Variation ID: 472975). Advanced modeling of protein sequence and biophysical properties (such as structural, functional, and spatial information, amino acid conservation, physicochemical variation, residue mobility, and thermodynamic stability) performed at Invitae indicates that this missense variant is not expected to disrupt BRAT1 protein function with a negative predictive value of 80%. In summary, the available evidence is currently insufficient to determine the role of this variant in disease. Therefore, it has been classified as a Variant of Uncertain Significance.

GeneDx
Classification: Uncertain significance. Last evaluated: 2023-10-17. Review status: criteria provided, single submitter. Criteria: GeneDx Variant Classification Process June 2021. Collection method: clinical testing. Allele origin: germline. Affected: yes.
Comment: In silico analysis supports that this missense variant does not alter protein structure/function; Has not been previously published as pathogenic or benign to our knowledge